The following is an entry in ClinVar:

ClinVar aggregate classification (germline): Uncertain significance (1 of 4 stars; one submission).

Conditions:
Hereditary breast ovarian cancer syndrome. Also called: Hereditary breast and/or ovarian cancer syndrome; Hereditary breast and ovarian cancer syndrome; Hereditary breast and ovarian cancer syndrome (HBOC); Breast and ovarian cancer; Hereditary breast and ovarian cancer; BRCA1- and BRCA2-Associated Hereditary Breast and Ovarian Cancer. Identifiers: Orphanet 145, MedGen C0677776, MeSH D061325, MONDO:0003582. Disease mechanism: loss of function.

Submission:

Labcorp Genetics (formerly Invitae), Labcorp
Classification: Uncertain significance for Hereditary breast ovarian cancer syndrome. Last evaluated: 2020-01-28. Review status: criteria provided, single submitter. Criteria: Invitae Variant Classification Sherloc (09022015). Collection method: clinical testing. Allele origin: germline.
Comment: Algorithms developed to predict the effect of missense changes on protein structure and function (SIFT, PolyPhen-2, Align-GVGD) all suggest that this variant is likely to be tolerated, but these predictions have not been confirmed by published functional studies and their clinical significance is uncertain. This variant has not been reported in the literature in individuals with BRCA2-related conditions. This variant is not present in population databases (ExAC no frequency). This sequence change replaces serine with proline at codon 249 of the BRCA2 protein (p.Ser249Pro). The serine residue is moderately conserved and there is a moderate physicochemical difference between serine and proline. In summary, the available evidence is currently insufficient to determine the role of this variant in disease. Therefore, it has been classified as a Variant of Uncertain Significance.

NM_000059.4(BRCA2):c.745T>C (p.Ser249Pro)

Gene: BRCA2 (BRCA2 DNA repair associated; plus strand). Cytogenetic location: 13q13.1.
Variant type: single nucleotide variant.
Coding change: c.745T>C on transcript NM_000059.4 (MANE Select); coding-DNA position 745, T replaced by C.
Protein change: p.Ser249Pro; replaces serine 249 with proline.
Molecular consequence: missense variant.
Genome position (GRCh38, 1-based): chr13:32,330,982, T>C. VCF-style: chr13-32330982-T-C. GRCh37 (hg19) VCF-style: chr13-32905119-T-C.
Other names: short protein forms S249P.
Identifiers: ClinVar variation 1047607 (VCV001047607.11), dbSNP rs2072386415, ClinGen allele CA387760076.